The following is an entry in ClinVar:

ClinVar aggregate classification (germline): Likely benign. Review status: criteria provided, multiple submitters, no conflicts (2 of 4 stars). 2 submissions from 2 submitters: Likely benign (2). Last evaluated 2025-06-12.

Conditions:
EPILEPSY, CHILDHOOD ABSENCE, SUSCEPTIBILITY TO, 2 (ECA2). Identifiers: Orphanet 64280, MedGen C1843244, OMIM 607681.
Febrile seizures, familial, 8 (FEB8). Also called: CONVULSIONS, FAMILIAL FEBRILE, 8. Identifiers: Orphanet 36387, MedGen C1969810, MONDO:0011891, OMIM 607681.

Allele frequency attached by ClinVar (database versions not stated): gnomAD exomes below 0.00001 and 0.00001; ExAC 0.00001; gnomAD 0.00001; TOPMed 0.00001.
gnomAD v4.1: 18 of 1,605,694 alleles (0.0011%); highest among the groups gnomAD compares: African/African-American, 0.0027%; no homozygotes.

Submissions (2):

Labcorp Genetics (formerly Invitae), Labcorp
Classification: Likely benign for Febrile seizures, familial, 8; EPILEPSY, CHILDHOOD ABSENCE, SUSCEPTIBILITY TO, 2. Last evaluated: 2025-06-12. Review status: criteria provided, single submitter. Criteria: Invitae Variant Classification Sherloc (09022015). Collection method: clinical testing. Allele origin: germline.

GeneDx
Classification: Likely benign. Last evaluated: 2016-11-01. Review status: criteria provided, single submitter. Criteria: GeneDx Variant Classification (06012015). Collection method: clinical testing. Allele origin: germline. Affected: yes.
Comment: This variant is considered likely benign or benign based on one or more of the following criteria: it is a conservative change, it occurs at a poorly conserved position in the protein, it is predicted to be benign by multiple in silico algorithms, and/or has population frequency not consistent with disease.

NM_198904.4(GABRG2):c.333C>T (p.Tyr111=)

Gene: GABRG2 (gamma-aminobutyric acid type A receptor subunit gamma2; plus strand). Cytogenetic location: 5q34.
Variant type: single nucleotide variant.
Coding change: c.333C>T on transcript NM_198904.4 (MANE Select); coding-DNA position 333, C replaced by T.
Protein change: p.Tyr111=; no amino-acid change (tyrosine 111 retained).
Molecular consequence: synonymous variant. On other transcripts: intron variant (2).
Genome position (GRCh38, 1-based): chr5:162,097,643, C>T. VCF-style: chr5-162097643-C-T. GRCh37 (hg19) VCF-style: chr5-161524649-C-T.
Other names: c.333C>T, p.Tyr111= (NM_000816.3, NM_001375340.1, NM_001375341.1 and 4 more transcripts); c.324C>T, p.Tyr108= (NM_001375339.1); c.267C>T, p.Tyr89= (NM_001375345.1, NM_001375346.1); c.246C>T, p.Tyr82= (NM_001375347.1); c.48C>T, p.Tyr16= (NM_001375349.1); c.-31-57C>T (NM_001375350.1, NM_001375348.1).
Identifiers: ClinVar variation 390540 (VCV000390540.10), dbSNP rs777192588, ClinGen allele CA3544720.
Genomic context (GRCh38, chr5:162,097,643, plus strand): 5'-TAAAAAGATAATCTTACTGTGTACAAATTTTCTGTTTATCATTTTATTAAAACAGGAATA[C>T]ACTATTGATATATTTTTTGCGCAAACGTGGTATGACAGACGTTTGAAATTTAACAGCACC-3'
Protein context (NP_944494.1, residues 101-121): IGPVNAINME[Tyr111=]TIDIFFAQTW